The following is an entry in ClinVar:

NM_006033.4(LIPG):c.1239G>T (p.Gln413His)

Gene: LIPG (lipase G, endothelial type; plus strand). Cytogenetic location: 18q21.1.
Variant type: single nucleotide variant.
Coding change: c.1239G>T on transcript NM_006033.4 (MANE Select); coding-DNA position 1239, G replaced by T.
Protein change: p.Gln413His; replaces glutamine 413 with histidine.
Molecular consequence: missense variant.
Genome position (GRCh38, 1-based): chr18:49,583,637, G>T. VCF-style: chr18-49583637-G-T. GRCh37 (hg19) VCF-style: chr18-47110007-G-T.
Other names: c.1017G>T, p.Gln339His (NM_001308006.2); short protein forms Q413H, Q339H.
Identifiers: ClinVar variation 3671627 (VCV003671627.2).
Genomic context (GRCh38, chr18:49,583,637, plus strand): 5'-TGCCACCAACACCTTCCTGGTCTACACCGAGGAGGACTTGGGAGACCTCTTGAAGATCCA[G>T]CTCACCTGGGAGGGGGCCTCTCAGTCTTGGTACAACCTGTGGAAGGAGTTTCGCAGCTAC-3'
Protein context (NP_006024.1, residues 403-423): EEDLGDLLKI[Gln413His]LTWEGASQSW

ClinVar aggregate classification (germline): Uncertain significance (1 of 4 stars; one submission).

gnomAD v4.1: 2 of 1,614,218 alleles (0.00012%); highest among the groups gnomAD compares: Non-Finnish European, 0.00017%; no homozygotes.

Submission:

Labcorp Genetics (formerly Invitae), Labcorp
Classification: Uncertain significance. Last evaluated: 2024-10-12. Review status: criteria provided, single submitter. Criteria: Invitae Variant Classification Sherloc (09022015). Collection method: clinical testing. Allele origin: germline.
Comment: This sequence change replaces glutamine, which is neutral and polar, with histidine, which is basic and polar, at codon 413 of the LIPG protein (p.Gln413His). This variant is not present in population databases (gnomAD no frequency). This variant has not been reported in the literature in individuals affected with LIPG-related conditions. An algorithm developed to predict the effect of missense changes on protein structure and function (PolyPhen-2) suggests that this variant is likely to be tolerated. In summary, the available evidence is currently insufficient to determine the role of this variant in disease. Therefore, it has been classified as a Variant of Uncertain Significance.